The following is an entry in ClinVar:

NM_174936.4(PCSK9):c.298G>A (p.Ala100Thr)

Gene: PCSK9 (proprotein convertase subtilisin/kexin type 9; plus strand). Cytogenetic location: 1p32.3.
Variant type: single nucleotide variant.
Coding change: c.298G>A on transcript NM_174936.4 (MANE Select); coding-DNA position 298, G replaced by A.
Protein change: p.Ala100Thr; replaces alanine 100 with threonine.
Molecular consequence: missense variant.
Genome position (GRCh38, 1-based): chr1:55,043,933, G>A. VCF-style: chr1-55043933-G-A. GRCh37 (hg19) VCF-style: chr1-55509606-G-A.
Other names: short protein forms A100T.
Identifiers: ClinVar variation 925286 (VCV000925286.14), dbSNP rs564681731, ClinGen allele CA041337.
Genomic context (GRCh38, chr1:55,043,933, plus strand): 5'-GTGGTGCTGAAGGAGGAGACCCACCTCTCGCAGTCAGAGCGCACTGCCCGCCGCCTGCAG[G>A]CCCAGGCTGCCCGCCGGGGATACCTCACCAAGATCCTGCATGTCTTCCATGGCCTTCTTC-3'
Protein context (NP_777596.2, residues 90-110): QSERTARRLQ[Ala100Thr]QAARRGYLTK

ClinVar aggregate classification (germline): Uncertain significance. Review status: criteria provided, multiple submitters, no conflicts (2 of 4 stars). 3 submissions from 3 submitters: Uncertain significance (3). Last evaluated 2024-03-24.

Conditions:
Familial hypercholesterolemia. Also called: Familial hypercholesterolemias; Familial hypercholesterolaemia. Identifiers: MedGen C0020445, MONDO:0005439.
Hypercholesterolemia, autosomal dominant, 3 (FHCL3). Also called: Familial hypercholesterolemia 3; Familial Hypercholesterolemia, Autosomal Dominant, 3; PCSK9-Related Familial Hypercholesterolemia, Autosomal Dominant. Identifiers: MedGen C1863551, MONDO:0011369, OMIM 603776.

Allele frequency attached by ClinVar (database versions not stated): gnomAD 0.00001; gnomAD exomes 0.00001 and 0.00003; TOPMed 0.00001; ExAC 0.00002; 1000 Genomes Project 30x 0.00016; 1000 Genomes Project 0.00020.
gnomAD v4.1: 19 of 1,614,168 alleles (0.0012%); highest among the groups gnomAD compares: South Asian, 0.015%; no homozygotes.

Submissions (3):

All of Us Research Program, National Institutes of Health
Classification: Uncertain significance for Hypercholesterolemia, autosomal dominant, 3. Last evaluated: 2024-03-24. Review status: criteria provided, single submitter. Criteria: ACMG Guidelines, 2015. Collection method: clinical testing. Allele origin: germline. Inheritance: Autosomal dominant inheritance. Observed: 3 variant alleles, 3 heterozygotes.
Comment: This missense variant replaces alanine with threonine at codon 100 of the PCSK9 protein. Computational prediction suggests that this variant may have deleterious impact on protein structure and function (internally defined REVEL score threshold >= 0.7, PMID: 27666373). To our knowledge, functional studies have not been reported for this variant. This variant has been reported in an individual affected with hypercholesterolemia (Nguyen et al., 2021, DOI 10.51847/W5tOunb2Bw). This variant has been identified in 7/251308 chromosomes in the general population by the Genome Aggregation Database (gnomAD). The available evidence is insufficient to determine the role of this variant in disease conclusively. Therefore, this variant is classified as a Variant of Uncertain Significance.

This study involves interpretation of variants in research participants for the purpose of population health screening. Participant phenotype was not available at the time of variant classification. Additional details can be found in publication PMID: 35346344, PMCID: PMC8962531

Color Diagnostics, LLC DBA Color Health
Classification: Uncertain significance for Familial hypercholesterolemia. Last evaluated: 2024-03-06. Review status: criteria provided, single submitter. Criteria: ACMG Guidelines, 2015. Collection method: clinical testing. Allele origin: germline.
Comment: This missense variant replaces alanine with threonine at codon 100 of the PCSK9 protein. Computational prediction suggests that this variant may not impact protein structure and function (internally defined REVEL score threshold <= 0.5, PMID: 27666373). To our knowledge, functional studies have not been reported for this variant. This variant has been reported in an individual affected with hypercholesterolemia (DOI:10.51847/W5tOunb2Bw). This variant has been identified in 7/251308 chromosomes in the general population by the Genome Aggregation Database (gnomAD). The available evidence is insufficient to determine the role of this variant in disease conclusively. Therefore, this variant is classified as a Variant of Uncertain Significance.

Labcorp Genetics (formerly Invitae), Labcorp
Classification: Uncertain significance for Hypercholesterolemia, autosomal dominant, 3. Last evaluated: 2022-12-18. Review status: criteria provided, single submitter. Criteria: Invitae Variant Classification Sherloc (09022015). Collection method: clinical testing. Allele origin: germline.
Comment: In summary, the available evidence is currently insufficient to determine the role of this variant in disease. Therefore, it has been classified as a Variant of Uncertain Significance. Advanced modeling of protein sequence and biophysical properties (such as structural, functional, and spatial information, amino acid conservation, physicochemical variation, residue mobility, and thermodynamic stability) performed at Invitae indicates that this missense variant is not expected to disrupt PCSK9 protein function. ClinVar contains an entry for this variant (Variation ID: 925286). This variant has not been reported in the literature in individuals affected with PCSK9-related conditions. This variant is present in population databases (rs564681731, gnomAD 0.02%). This sequence change replaces alanine, which is neutral and non-polar, with threonine, which is neutral and polar, at codon 100 of the PCSK9 protein (p.Ala100Thr).